The following is an entry in ClinVar:

NM_006766.5(KAT6A):c.4445C>T (p.Pro1482Leu)

Gene: KAT6A (lysine acetyltransferase 6A; minus strand). Cytogenetic location: 8p11.21.
Variant type: single nucleotide variant.
Coding change: c.4445C>T on transcript NM_006766.5 (MANE Select); coding-DNA position 4445, C replaced by T.
Protein change: p.Pro1482Leu; replaces proline 1482 with leucine.
Molecular consequence: missense variant.
Genome position (GRCh38, 1-based): chr8:41,933,775, G>A on the plus strand (C>T on the coding strand, the complement: KAT6A is on the minus strand). VCF-style: chr8-41933775-G-A. GRCh37 (hg19) VCF-style: chr8-41791293-G-A.
Other names: short protein forms P1482L.
Identifiers: ClinVar variation 1028557 (VCV001028557.1), dbSNP rs1821690064, ClinGen allele CA371065796.

ClinVar aggregate classification (germline): Uncertain significance (1 of 4 stars; one submission).

Conditions:
Autosomal dominant intellectual disability-craniofacial anomalies-cardiac defects syndrome (ARTHS). Also called: KAT6A syndrome; Mental retardation, autosomal dominant 32; Arboleda-Tham syndrome. Identifiers: Orphanet 457193, MedGen C4225396, MONDO:0014558, OMIM 616268.

Submission:

Baylor Genetics
Classification: Uncertain significance for Autosomal dominant intellectual disability-craniofacial anomalies-cardiac defects syndrome. Last evaluated: 2019-12-07. Review status: criteria provided, single submitter. Criteria: ACMG Guidelines, 2015. Collection method: clinical testing. Allele origin: unknown. Affected: yes.
Comment: This variant was determined to be of uncertain significance according to ACMG Guidelines, 2015 [PMID:25741868].